The following is an entry in ClinVar:

NM_006766.5(KAT6A):c.3040-2A>G

Gene: KAT6A (lysine acetyltransferase 6A; minus strand). Cytogenetic location: 8p11.21.
Variant type: single nucleotide variant.
Coding change: c.3040-2A>G on transcript NM_006766.5 (MANE Select); the canonical splice acceptor site of the intron before coding-DNA position 3040, A replaced by G.
Molecular consequence: splice acceptor variant.
Genome position (GRCh38, 1-based): chr8:41,937,570, T>C on the plus strand (A>G on the coding strand, the complement: KAT6A is on the minus strand). VCF-style: chr8-41937570-T-C. GRCh37 (hg19) VCF-style: chr8-41795088-T-C.
Identifiers: ClinVar variation 2039250 (VCV002039250.4), dbSNP rs2486764054, ClinGen allele CA371071123.

ClinVar aggregate classification (germline): Likely pathogenic (1 of 4 stars; one submission).

Submission:

Labcorp Genetics (formerly Invitae), Labcorp
Classification: Likely pathogenic. Last evaluated: 2021-12-16. Review status: criteria provided, single submitter. Criteria: Invitae Variant Classification Sherloc (09022015). Collection method: clinical testing. Allele origin: germline.
Comment: In summary, the currently available evidence indicates that the variant is pathogenic, but additional data are needed to prove that conclusively. Therefore, this variant has been classified as Likely Pathogenic. Algorithms developed to predict the effect of sequence changes on RNA splicing suggest that this variant may disrupt the consensus splice site. This variant has not been reported in the literature in individuals affected with KAT6A-related conditions. This variant is not present in population databases (gnomAD no frequency). This sequence change affects an acceptor splice site in intron 15 of the KAT6A gene. It is expected to disrupt RNA splicing. Variants that disrupt the donor or acceptor splice site typically lead to a loss of protein function (PMID: 16199547), and loss-of-function variants in KAT6A are known to be pathogenic (PMID: 25728775, 25728777, 27133397).

Literature cited by the submitters: PubMed 16199547; PubMed 25728775; PubMed 25728777; PubMed 27133397.